The following is an entry in ClinVar:

NM_001083614.2:c.(?_-8)_65del

Gene: EARS2 (glutamyl-tRNA synthetase 2, mitochondrial; minus strand).
Variant type: Deletion.
Other names: c.(?_-8)_65del (NM_001083614.2).
Identifiers: ClinVar variation 3385233 (VCV003385233.1).

ClinVar aggregate classification (germline): Pathogenic (1 of 4 stars; one submission).

Conditions:
Leukoencephalopathy-thalamus and brainstem anomalies-high lactate syndrome. Also called: LEUKOENCEPHALOPATHY WITH THALAMUS AND BRAINSTEM INVOLVEMENT AND HIGH LACTATE; Combined oxidative phosphorylation deficiency 12. Identifiers: Orphanet 314051, MedGen C4706421, MONDO:0013971, OMIM 614924.

Submission:

Women's Health and Genetics/Laboratory Corporation of America, LabCorp
Classification: Pathogenic for Leukoencephalopathy-thalamus and brainstem anomalies-high lactate syndrome. Last evaluated: 2024-10-17. Review status: criteria provided, single submitter. Criteria: LabCorp Variant Classification Summary - May 2015. Collection method: clinical testing. Allele origin: germline.
Comment: Variant summary: The variant involves the partial deletion of exon 1 in the EARS2 gene. A presumed nomenclature of c.(?_-8)_65del has been designated for the purposes of this classification.The exact breakpoint at the 5' end of this variant is unknown, therefore this deletion may extend upstream of the annotated region of this gene. It is predicted to remove the initiation codon and result in an absence of protein or a truncation of the encoded protein due to translation initiation at a downstream site. LoF variants including start codon variant and early stop variant (example, c.1A>G p.M1?. c.19A>T p.R7*) have been associated with EARS2-related diseases. The variant was absent in 21694 control chromosomes (gnomAD V2 SV). To our knowledge, no occurrence of c.(?_-8)_65del in individuals affected with Leukoencephalopathy-Thalamus And Brainstem Anomalies-High Lactate Syndrome and no experimental evidence demonstrating its impact on protein function have been reported. No submitters have cited clinical-significance assessments for this variant to ClinVar. Based on the evidence outlined above, the variant was classified as pathogenic.